The following continues an entry in ClinVar:

NM_001042492.3(NF1):c.1721+3A>G

Gene: NF1. ClinVar aggregate classification (germline): Pathogenic/Likely pathogenic. Pathogenic (19); Likely pathogenic (2).

Submissions 17 to 21 of 21:

Athena Diagnostics
Classification: Pathogenic. Last evaluated: 2019-08-06. Review status: criteria provided, single submitter. Criteria: Athena Diagnostics Criteria. Collection method: clinical testing. Allele origin: germline.
Comment: Not found in the total gnomAD dataset, and the data is high quality (0/263140 chr). Variant has been found in 6 or more unrelated symptomatic patients, while absent in large general pop studies. Predicted to negatively affect a known splice site. Damaging to protein function(s) relevant to disease mechanism. Inconclusive segregation with disease.

Centre for Mendelian Genomics, University Medical Centre Ljubljana
Classification: Pathogenic for Cafe au lait spots, multiple; Optic nerve glioma. Last evaluated: 2017-01-01. Review status: criteria provided, single submitter. Criteria: ACMG Guidelines, 2015. Collection method: clinical testing. Allele origin: unknown. Affected: yes.

Ambry Genetics
Classification: Pathogenic for Hereditary cancer-predisposing syndrome. Last evaluated: 2015-04-06. Review status: criteria provided, single submitter. Criteria: Ambry Autosomal Dominant and X-Linked criteria (10/2015). Collection method: clinical testing. Allele origin: germline. Observed: 1 variant allele.
Comment: The c.1721+3A>G intronic pathogenic mutation results from an A to G substitution 3 nucleotides after coding exon 15 in the NF1 gene. This mutation was shown by twoseparate studiestoinduce skipping ofexon11 at the mRNA level, causinga shift in the translational reading frame, leading to premature truncation of the NF1protein(p.Ala548LeufsX13) (PurandareSM, et al. Hum. Mol. Genet. 1994;3(7):1109-15 andPros E, et al. Hum.Mutat. 2008;29(9):E173-93). This mutation has been seen in four individuals who fulfill the NIH diagnostic criteria for NF1 (neurofibromatosis type 1) and in nine individualssuspected of having aNF1 clinical diagnosis. In addition, one of these individuals presented withfeatures of bothNF1 and Noonan syndrome (De Luca A, et al. Am. J. Hum. Genet. 2005;77(6):1092-101,Griffiths S, et al. Fam. Cancer 2007;6(1):21-34,Violante IR, et al. Brain 2013;136(Pt 3):918-25,Purandare SM, et al. Hum. Mol. Genet. 1994;3(7):1109-15,FahsoldR, et al. Am. J. Hum. Genet. 2000;66(3):790-818,andArs E, et al. Hum. Mol. Genet. 2000;9(2):237-47).Based on the available evidence, c.1721+3A>G is classified as a pathogenic mutation.

Centre for Mendelian Genomics, University Medical Centre Ljubljana
Classification: Pathogenic for Cafe au lait spots, multiple; Neurofibroma. Last evaluated: 2014-12-01. Review status: criteria provided, single submitter. Criteria: ACMG Guidelines, 2015. Collection method: clinical testing. Allele origin: unknown. Affected: yes.

Juno Genomics, Hangzhou Juno Genomics, Inc
Classification: Pathogenic for Neurofibromatosis, type 1. Review status: criteria provided, single submitter. Criteria: ACMG Guidelines, 2015. Collection method: clinical testing. Allele origin: germline. Affected: yes.
Comment: Absent from controls (or at extremely low frequency if recessive) in Genome Aggregation Database, Exome Sequencing Project, 1000 Genomes Project, or Exome Aggregation Consortium.;Well-established in vitro or in vivo functional studies supportive of a damaging effect on the gene or gene product.;The prevalence of the variant in affected individuals is significantly increased compared to the prevalence in controls.;Co-segregation with disease in multiple affected family members in a gene definitively known to cause the disease.;Patient's phenotype or family history is highly specific for a disease with a single genetic etiology.;Assumed de novo, but without confirmation of paternity and maternity.

Literature cited by the submitters: PubMed 7981679 (cited by 6 submitters); PubMed 18546366 (cited by 5 submitters); PubMed 16380919 (cited by 3 submitters); PubMed 31370276 (cited by Myriad Genetics, Inc.); PubMed 10712197 (cited by 3 submitters); PubMed 31776437 (cited by Myriad Genetics, Inc.); PubMed 33919865 (cited by Myriad Genetics, Inc.); PubMed 25325900 (cited by Myriad Genetics, Inc. and Athena Diagnostics); PubMed 15146469 (cited by 4 submitters); PubMed 16944272 (cited by 4 submitters); PubMed 23404336 (cited by 4 submitters); PubMed 26478990 (cited by Labcorp Genetics (formerly Invitae), Labcorp and Athena Diagnostics); PubMed 17576681 (cited by Labcorp Genetics (formerly Invitae), Labcorp); PubMed 9536098 (cited by Labcorp Genetics (formerly Invitae), Labcorp); PubMed 28008555 (cited by Dasa and Athena Diagnostics); PubMed 31713330 (cited by Dasa and Mayo Clinic Laboratories, Mayo Clinic); PubMed 10678181 (cited by Women's Health and Genetics/Laboratory Corporation of America, LabCorp); PubMed 23460398 (cited by Women's Health and Genetics/Laboratory Corporation of America, LabCorp); PubMed 29872168 (cited by Women's Health and Genetics/Laboratory Corporation of America, LabCorp); PubMed 26056819 (cited by Mayo Clinic Laboratories, Mayo Clinic); PubMed 32352596 (cited by Mayo Clinic Laboratories, Mayo Clinic); PubMed 27322474 (cited by Athena Diagnostics); PubMed 19845691 (cited by Athena Diagnostics); PubMed 26969325 (cited by Athena Diagnostics); PubMed 22190595 (cited by Athena Diagnostics); PubMed 10607834 (cited by Ambry Genetics).